The following is an entry in ClinVar:

NM_014634.4(PPM1F):c.1295C>A (p.Ala432Glu)

Gene: PPM1F (protein phosphatase, Mg2+/Mn2+ dependent 1F; minus strand). Cytogenetic location: 22q11.22.
Variant type: single nucleotide variant.
Coding change: c.1295C>A on transcript NM_014634.4 (MANE Select); coding-DNA position 1295, C replaced by A.
Protein change: p.Ala432Glu; replaces alanine 432 with glutamic acid.
Molecular consequence: missense variant.
Genome position (GRCh38, 1-based): chr22:21,923,162, G>T on the plus strand (C>A on the coding strand, the complement: PPM1F is on the minus strand). VCF-style: chr22-21923162-G-T. GRCh37 (hg19) VCF-style: chr22-22277535-G-T.
Other names: c.791C>A, p.Ala264Glu (NM_001410836.1); short protein forms A264E, A432E.
Identifiers: ClinVar variation 3726817 (VCV003726817.2).

ClinVar aggregate classification (germline): Uncertain significance (1 of 4 stars; one submission).

Submission:

Labcorp Genetics (formerly Invitae), Labcorp
Classification: Uncertain significance. Last evaluated: 2025-01-23. Review status: criteria provided, single submitter. Criteria: Invitae Variant Classification Sherloc (09022015). Collection method: clinical testing. Allele origin: germline.
Comment: This sequence change replaces alanine, which is neutral and non-polar, with glutamic acid, which is acidic and polar, at codon 432 of the PPM1F protein (p.Ala432Glu). This variant is not present in population databases (gnomAD no frequency). This variant has not been reported in the literature in individuals affected with PPM1F-related conditions. An algorithm developed to predict the effect of missense changes on protein structure and function (PolyPhen-2) suggests that this variant is likely to be tolerated. In summary, the available evidence is currently insufficient to determine the role of this variant in disease. Therefore, it has been classified as a Variant of Uncertain Significance.